The following is an entry in ClinVar:

ClinVar aggregate classification (germline): Uncertain significance (1 of 4 stars; one submission).

Conditions:
Inborn genetic diseases. Identifiers: MedGen C0950123, MeSH D030342.

Allele frequency attached by ClinVar (database versions not stated): gnomAD exomes below 0.00001; gnomAD 0.00001; 1000 Genomes Project 30x 0.00016; 1000 Genomes Project 0.00020.
gnomAD v4.1: 3 of 1,613,970 alleles (0.00019%); highest among the groups gnomAD compares: Admixed American, 0.0033%; no homozygotes.

Submission:

Ambry Genetics
Classification: Uncertain significance for Inborn genetic diseases. Last evaluated: 2021-11-22. Review status: criteria provided, single submitter. Criteria: Ambry Variant Classification Scheme 2023. Collection method: clinical testing. Allele origin: germline.
Comment: The p.Q717R variant (also known as c.2150A>G), located in coding exon 13 of the EPAS1 gene, results from an A to G substitution at nucleotide position 2150. The glutamine at codon 717 is replaced by arginine, an amino acid with highly similar properties. This amino acid position is conserved. In addition, this alteration is predicted to be tolerated by in silico analysis. Since supporting evidence is limited at this time, the clinical significance of this alteration remains unclear.

NM_001430.5(EPAS1):c.2150A>G (p.Gln717Arg)

Gene: EPAS1 (endothelial PAS domain protein 1; plus strand). Cytogenetic location: 2p21.
Variant type: single nucleotide variant.
Coding change: c.2150A>G on transcript NM_001430.5 (MANE Select); coding-DNA position 2150, A replaced by G.
Protein change: p.Gln717Arg; replaces glutamine 717 with arginine.
Molecular consequence: missense variant.
Genome position (GRCh38, 1-based): chr2:46,381,700, A>G. VCF-style: chr2-46381700-A-G. GRCh37 (hg19) VCF-style: chr2-46608839-A-G.
Other names: short protein forms Q717R.
Identifiers: ClinVar variation 1786739 (VCV001786739.2), dbSNP rs549569611, ClinGen allele CA46568295.